The following is an entry in ClinVar:

ClinVar aggregate classification (germline): Likely benign. Review status: criteria provided, multiple submitters, no conflicts (2 of 4 stars). 2 submissions from 2 submitters: Likely benign (2). Last evaluated 2026-04-04.

Conditions:
PMP22-related disorder. Also called: PMP22-related disorders; PMP22-related condition.
Charcot-Marie-Tooth disease, type I (CMT1). Also called: Charcot-Marie-Tooth, Type 1; Charcot-Marie-Tooth disease type 1. Identifiers: Orphanet 65753, MedGen C0751036, MONDO:0019011.

Allele frequency attached by ClinVar (database versions not stated): ESP Exome Variant Server 0.00008.
gnomAD v4.1: 5 of 1,591,516 alleles (0.00031%); highest among the groups gnomAD compares: Admixed American, 0.0033%; no homozygotes.

Submissions (2):

PreventionGenetics, part of Exact Sciences
Classification: Likely benign for PMP22-related condition. Last evaluated: 2026-04-04. Review status: criteria provided, single submitter. Criteria: ACMG Guidelines, 2015. Collection method: clinical testing. Allele origin: germline.
Comment: This variant is classified as likely benign based on ACMG/AMP sequence variant interpretation guidelines (Richards et al. 2015 PMID: 25741868, with internal and published modifications).

Labcorp Genetics (formerly Invitae), Labcorp
Classification: Likely benign for Charcot-Marie-Tooth disease, type I. Last evaluated: 2025-11-19. Review status: criteria provided, single submitter. Criteria: Invitae Variant Classification Sherloc (09022015). Collection method: clinical testing. Allele origin: germline.

NM_000304.4(PMP22):c.79-16A>G

Gene: PMP22 (peripheral myelin protein 22; minus strand). Cytogenetic location: 17p12.
Variant type: single nucleotide variant.
Coding change: c.79-16A>G on transcript NM_000304.4 (MANE Select); 16 bases into the intron before coding-DNA position 79, A replaced by G.
Molecular consequence: intron variant.
Genome position (GRCh38, 1-based): chr17:15,259,209, T>C on the plus strand (A>G on the coding strand, the complement: PMP22 is on the minus strand). VCF-style: chr17-15259209-T-C. GRCh37 (hg19) VCF-style: chr17-15162526-T-C.
Other names: c.79-16A>G (NM_001281456.2, NM_153321.3, NM_001281455.2 and 3 more transcripts).
Identifiers: ClinVar variation 1669264 (VCV001669264.9), dbSNP rs373417110, ClinGen allele CA288109136.